The following is an entry in ClinVar:

NM_016341.4(PLCE1):c.4390-6T>C

Gene: PLCE1 (phospholipase C epsilon 1; plus strand). Cytogenetic location: 10q23.33.
Variant type: single nucleotide variant.
Coding change: c.4390-6T>C on transcript NM_016341.4 (MANE Select); 6 bases into the intron before coding-DNA position 4390, T replaced by C.
Molecular consequence: intron variant.
Genome position (GRCh38, 1-based): chr10:94,270,480, T>C. VCF-style: chr10-94270480-T-C. GRCh37 (hg19) VCF-style: chr10-96030237-T-C.
Other names: c.4342-6T>C (NM_001288989.2); c.3466-6T>C (NM_001165979.2).
Identifiers: ClinVar variation 3039762 (VCV003039762.2), dbSNP rs564784915, ClinGen allele CA5613130.

ClinVar aggregate classification (germline): Likely benign (0 of 4 stars; one submission).

Conditions:
PLCE1-related disorder. Also called: PLCE1-related condition.

Allele frequency attached by ClinVar (database versions not stated): ExAC 0.00002; gnomAD 0.00007; TOPMed 0.00007.
gnomAD v4.1: 21 of 1,596,412 alleles (0.0013%); highest among the groups gnomAD compares: African/African-American, 0.021%; no homozygotes.

Submission:

PreventionGenetics, part of Exact Sciences
Classification: Likely benign for PLCE1-related condition. Last evaluated: 2019-09-19. Review status: no assertion criteria provided. Collection method: clinical testing. Allele origin: germline.
Comment: This variant is classified as likely benign based on ACMG/AMP sequence variant interpretation guidelines (Richards et al. 2015 PMID: 25741868, with internal and published modifications).